The following is an entry in ClinVar:

NM_001164508.2(NEB):c.17178del (p.Arg5727fs)

Gene: NEB (nebulin; minus strand). Cytogenetic location: 2q23.3.
Variant type: Deletion.
Coding change: c.17178del on transcript NM_001164508.2 (MANE Select); coding-DNA position 17178, one base deleted (C; older notation c.17178delC).
Protein change: p.Arg5727fs; shifts the reading frame from arginine 5727.
Molecular consequence: frameshift variant.
Genome position (GRCh38, 1-based): chr2:151,570,333, G deleted on the plus strand (C on the coding strand, the reverse complement: NEB is on the minus strand); the first of 2 consecutive G bases (chr2:151,570,333-151,570,334); deleting either gives the same sequence. VCF-style (leftmost placement, unchanged base first): chr2-151570332-TG-T. GRCh37 (hg19) VCF-style: chr2-152426846-TG-T.
Other names: c.17178del, p.Arg5727fs (NM_001164507.2, NM_001271208.2); c.17177delC, p.Arg5727Glyfs (NM_001271208.1); c.12075del, p.Arg4026fs (NM_004543.5); short protein forms R4026fs, R5727fs.
Identifiers: ClinVar variation 4814733 (VCV004814733.1).

ClinVar aggregate classification (germline): Likely pathogenic (1 of 4 stars; one submission).

Conditions:
Nemaline myopathy 2 (NEM2). Also called: Nemaline myopathy 2, autosomal recessive. Identifiers: MedGen C1850569, MONDO:0009725, OMIM 256030.

Submission:

Natera, Inc.
Classification: Likely pathogenic for Nemaline myopathy type 2. Last evaluated: 2025-08-25. Review status: criteria provided, single submitter. Criteria: Natera Variant Classification Schema (03/2026). Collection method: clinical testing. Allele origin: germline.
Comment: The c.17178del variant in NEB is a frameshift variant predicted to shift the reading frame beginning at codon 5727 and leads to a stop codon 11 codons downstream. This variant is expected to result in nonsense mediated decay, truncation, or a dysfunctional protein product. This variant is rare in the general population with a frequency below the threshold expected for the associated phenotype(s). Given the available evidence, this variant is classified as Likely Pathogenic.